The following is an entry in ClinVar:

NM_006766.5(KAT6A):c.1294G>A (p.Asp432Asn)

Gene: KAT6A (lysine acetyltransferase 6A; minus strand). Cytogenetic location: 8p11.21.
Variant type: single nucleotide variant.
Coding change: c.1294G>A on transcript NM_006766.5 (MANE Select); coding-DNA position 1294, G replaced by A.
Protein change: p.Asp432Asn; replaces aspartic acid 432 with asparagine.
Molecular consequence: missense variant.
Genome position (GRCh38, 1-based): chr8:41,977,077, C>T on the plus strand (G>A on the coding strand, the complement: KAT6A is on the minus strand). VCF-style: chr8-41977077-C-T. GRCh37 (hg19) VCF-style: chr8-41834595-C-T.
Other names: c.1294G>A, p.Asp432Asn (NM_001305878.2); short protein forms D432N.
Identifiers: ClinVar variation 5037539 (VCV005037539.1).

ClinVar aggregate classification (germline): Uncertain significance (1 of 4 stars; one submission).

Submission:

GeneDx
Classification: Uncertain significance. Last evaluated: 2026-04-23. Review status: criteria provided, single submitter. Criteria: GeneDx Variant Classification Process June 2021. Collection method: clinical testing. Allele origin: germline.
Comment: Not observed at significant frequency in large population cohorts (gnomAD); In silico analysis supports that this missense variant has a deleterious effect on protein structure/function; Has not been previously published as pathogenic or benign to our knowledge